The following is an entry in ClinVar:

NM_006073.4(TRDN):c.94C>A (p.Leu32Met)

Gene: TRDN (triadin; minus strand). Cytogenetic location: 6q22.31.
Variant type: single nucleotide variant.
Coding change: c.94C>A on transcript NM_006073.4 (MANE Select); coding-DNA position 94, C replaced by A.
Protein change: p.Leu32Met; replaces leucine 32 with methionine.
Molecular consequence: missense variant.
Genome position (GRCh38, 1-based): chr6:123,571,061, G>T on the plus strand (C>A on the coding strand, the complement: TRDN is on the minus strand). VCF-style: chr6-123571061-G-T. GRCh37 (hg19) VCF-style: chr6-123892206-G-T.
Other names: c.94C>A, p.Leu32Met (NM_001251987.2, NM_001256020.2, NM_001256021.2 and 1 more transcripts); short protein forms L32M.
Identifiers: ClinVar variation 654431 (VCV000654431.10), dbSNP rs755548582, ClinGen allele CA365569301.

ClinVar aggregate classification (germline): Uncertain significance (1 of 4 stars; one submission).

Conditions:
Catecholaminergic polymorphic ventricular tachycardia 1. Also called: RYR2-Related Catecholaminergic Polymorphic Ventricular Tachycardia; VENTRICULAR TACHYCARDIA, CATECHOLAMINERGIC POLYMORPHIC, 1, WITH OR WITHOUT ATRIAL DYSFUNCTION AND/OR DILATED CARDIOMYOPATHY; VENTRICULAR TACHYCARDIA, STRESS-INDUCED POLYMORPHIC 1. Identifiers: Orphanet 3286, MedGen C1631597, MONDO:0011484, OMIM 604772.

gnomAD v4.1: 1 of 1,613,940 alleles (0.000062%); highest among the groups gnomAD compares: Non-Finnish European, 0.000085%; no homozygotes.

Submission:

Labcorp Genetics (formerly Invitae), Labcorp
Classification: Uncertain significance for Catecholaminergic polymorphic ventricular tachycardia 1. Last evaluated: 2018-10-07. Review status: criteria provided, single submitter. Criteria: Invitae Variant Classification Sherloc (09022015). Collection method: clinical testing. Allele origin: germline.
Comment: In summary, the available evidence is currently insufficient to determine the role of this variant in disease. Therefore, it has been classified as a Variant of Uncertain Significance. Algorithms developed to predict the effect of missense changes on protein structure and function are either unavailable or do not agree on the potential impact of this missense change (SIFT: "Tolerated"; PolyPhen-2: "Possibly Damaging"; Align-GVGD: "Class C0"). This variant has not been reported in the literature in individuals with TRDN-related disease. This variant is not present in population databases (ExAC no frequency). This sequence change replaces leucine with methionine at codon 32 of the TRDN protein (p.Leu32Met). The leucine residue is moderately conserved and there is a small physicochemical difference between leucine and methionine.